The following is an entry in ClinVar:

ClinVar aggregate classification (germline): Benign. Review status: criteria provided, multiple submitters, no conflicts (2 of 4 stars). 3 submissions from 3 submitters: Benign (3). Last evaluated 2026-01-19.

Conditions:
Alzheimer disease 4 (AD4). Identifiers: Orphanet 1020, MedGen C1847200, MONDO:0011743, OMIM 606889.

Allele frequency attached by ClinVar (database versions not stated): gnomAD exomes 0.00043 and 0.00106; ExAC 0.00136; 1000 Genomes Project 0.00379; 1000 Genomes Project 30x 0.00406; gnomAD 0.00441 and 0.00481; TOPMed 0.00473; ESP Exome Variant Server 0.00523.
gnomAD v4.1: 1,311 of 1,613,844 alleles (0.081%); highest among the groups gnomAD compares: African/African-American, 1.6%; 19 homozygotes.

Submissions (3):

Labcorp Genetics (formerly Invitae), Labcorp
Classification: Benign for Alzheimer disease 4. Last evaluated: 2026-01-19. Review status: criteria provided, single submitter. Criteria: Invitae Variant Classification Sherloc (09022015). Collection method: clinical testing. Allele origin: germline.

Athena Diagnostics
Classification: Benign. Last evaluated: 2024-08-06. Review status: criteria provided, single submitter. Criteria: Athena Diagnostics Criteria. Collection method: clinical testing. Allele origin: unknown.

Mayo Clinic Laboratories, Mayo Clinic
Classification: Benign. Last evaluated: 2024-02-21. Review status: criteria provided, single submitter. Criteria: ACMG Guidelines, 2015. Collection method: clinical testing. Allele origin: germline. Observed: 5 variant alleles.
Comment: BS1, BS2, BP4, BP7

Literature cited by the submitters: PubMed 36681081 (cited by Athena Diagnostics).

NM_000447.3(PSEN2):c.423C>T (p.Asn141=)

Gene: PSEN2 (presenilin 2; plus strand). Cytogenetic location: 1q42.13.
Variant type: single nucleotide variant.
Coding change: c.423C>T on transcript NM_000447.3 (MANE Select); coding-DNA position 423, C replaced by T.
Protein change: p.Asn141=; no amino-acid change (asparagine 141 retained).
Molecular consequence: synonymous variant.
Genome position (GRCh38, 1-based): chr1:226,885,604, C>T. VCF-style: chr1-226885604-C-T. GRCh37 (hg19) VCF-style: chr1-227073305-C-T.
Other names: p.Asn141=; c.423C>T, p.Asn141= (NM_012486.3).
Identifiers: ClinVar variation 533781 (VCV000533781.16), dbSNP rs116003409, ClinGen allele CA1424518.